The following is an entry in ClinVar:

ClinVar aggregate classification (germline): Uncertain significance (1 of 4 stars; one submission).

Conditions:
Congenital myasthenic syndrome 12 (CMS12). Also called: Myasthenia, congenital, 12, with tubular aggregates; MYASTHENIC SYNDROME, CONGENITAL, WITH TUBULAR AGGREGATES 1. Identifiers: Orphanet 353327, Orphanet 590, MedGen C3552335, MONDO:0012518, OMIM 610542.

Allele frequency attached by ClinVar (database versions not stated): gnomAD exomes below 0.00001.
gnomAD v4.1: 2 of 1,612,996 alleles (0.00012%); highest among the groups gnomAD compares: Non-Finnish European, 0.00017%; no homozygotes.

Submission:

Labcorp Genetics (formerly Invitae), Labcorp
Classification: Uncertain significance for Congenital myasthenic syndrome 12. Last evaluated: 2022-07-08. Review status: criteria provided, single submitter. Criteria: Invitae Variant Classification Sherloc (09022015). Collection method: clinical testing. Allele origin: germline.
Comment: This sequence change replaces glycine, which is neutral and non-polar, with glutamic acid, which is acidic and polar, at codon 562 of the GFPT1 protein (p.Gly562Glu). This variant is not present in population databases (gnomAD no frequency). In summary, the available evidence is currently insufficient to determine the role of this variant in disease. Therefore, it has been classified as a Variant of Uncertain Significance. Algorithms developed to predict the effect of missense changes on protein structure and function are either unavailable or do not agree on the potential impact of this missense change (SIFT: "Deleterious"; PolyPhen-2: "Probably Damaging"; Align-GVGD: "Class C0"). This variant has not been reported in the literature in individuals affected with GFPT1-related conditions.

NM_001244710.2(GFPT1):c.1685G>A (p.Gly562Glu)

Gene: GFPT1 (glutamine--fructose-6-phosphate transaminase 1; minus strand). Cytogenetic location: 2p13.3.
Variant type: single nucleotide variant.
Coding change: c.1685G>A on transcript NM_001244710.2 (MANE Select); coding-DNA position 1685, G replaced by A.
Protein change: p.Gly562Glu; replaces glycine 562 with glutamic acid.
Molecular consequence: missense variant.
Genome position (GRCh38, 1-based): chr2:69,329,337, C>T on the plus strand (G>A on the coding strand, the complement: GFPT1 is on the minus strand). VCF-style: chr2-69329337-C-T. GRCh37 (hg19) VCF-style: chr2-69556469-C-T.
Other names: c.1631G>A, p.Gly544Glu (NM_002056.4); short protein forms G562E, G544E.
Identifiers: ClinVar variation 2202275 (VCV002202275.4), dbSNP rs2466020843, ClinGen allele CA347422563.